The following is an entry in ClinVar:

ClinVar aggregate classification (germline): Uncertain significance. Review status: criteria provided, multiple submitters, no conflicts (2 of 4 stars). 2 submissions from 2 submitters: Uncertain significance (2). Last evaluated 2021-06-15.

Conditions:
Hereditary cancer-predisposing syndrome. Also called: Hereditary neoplastic syndrome; Neoplastic Syndromes, Hereditary; Tumor predisposition; Hereditary Cancer Syndrome. Identifiers: Orphanet 140162, MedGen C0027672, MeSH D009386, MONDO:0015356.
Microcephaly, normal intelligence and immunodeficiency (NBS). Also called: IMMUNODEFICIENCY, MICROCEPHALY, AND CHROMOSOMAL INSTABILITY; SEEMANOVA SYNDROME II; Immunodeficiency, microcephaly with normal intelligence; Ataxia telangiectasia variant V1; Nijmegen breakage syndrome; Microcephaly with normal intelligence immunodeficiency and lymphoreticular malignancies. Identifiers: Orphanet 647, MedGen C0398791, MONDO:0009623, OMIM 251260.

Submissions (2):

Ambry Genetics
Classification: Uncertain significance for Hereditary cancer-predisposing syndrome. Last evaluated: 2021-06-15. Review status: criteria provided, single submitter. Criteria: Ambry Variant Classification Scheme 2023. Collection method: clinical testing. Allele origin: germline.
Comment: The p.R394G variant (also known as c.1180A>G), located in coding exon 10 of the NBN gene, results from an A to G substitution at nucleotide position 1180. The arginine at codon 394 is replaced by glycine, an amino acid with dissimilar properties. This amino acid position is not well conserved in available vertebrate species. In addition, this alteration is predicted to be tolerated by in silico analysis. Since supporting evidence is limited at this time, the clinical significance of this alteration remains unclear.

Labcorp Genetics (formerly Invitae), Labcorp
Classification: Uncertain significance for Microcephaly, normal intelligence and immunodeficiency. Last evaluated: 2020-06-30. Review status: criteria provided, single submitter. Criteria: Invitae Variant Classification Sherloc (09022015). Collection method: clinical testing. Allele origin: germline.
Comment: In summary, this variant is a novel missense change that is not predicted to affect protein function. There is no indication that it causes disease, but the available evidence is currently insufficient to prove that conclusively. Therefore, it has been classified as a Variant of Uncertain Significance. Algorithms developed to predict the effect of missense changes on protein structure and function output the following: (SIFT: "Deleterious"; PolyPhen-2: "Benign"; Align-GVGD: "Class C0"). The glycine amino acid residue is found in multiple mammalian species, suggesting that this missense change does not adversely affect protein function. These predictions have not been confirmed by published functional studies. This variant is not present in population databases (ExAC no frequency) and has not been reported in the literature in individuals with an NBN-related disease. This sequence change replaces arginine with glycine at codon 394 of the NBN protein (p.Arg394Gly). The arginine residue is moderately conserved and there is a moderate physicochemical difference between arginine and glycine.

NM_002485.5(NBN):c.1180A>G (p.Arg394Gly)

Gene: NBN (nibrin; minus strand). Cytogenetic location: 8q21.3.
Variant type: single nucleotide variant.
Coding change: c.1180A>G on transcript NM_002485.5 (MANE Select); coding-DNA position 1180, A replaced by G.
Protein change: p.Arg394Gly; replaces arginine 394 with glycine.
Molecular consequence: missense variant.
Genome position (GRCh38, 1-based): chr8:89,955,500, T>C on the plus strand (A>G on the coding strand, the complement: NBN is on the minus strand). VCF-style: chr8-89955500-T-C. GRCh37 (hg19) VCF-style: chr8-90967728-T-C.
Other names: c.934A>G, p.Arg312Gly (NM_001024688.3); short protein forms R394G, R312G.
Identifiers: ClinVar variation 411759 (VCV000411759.13), dbSNP rs1060503470, ClinGen allele CA16612368.
Genomic context (GRCh38, chr8:89,955,500, plus strand): 5'-TATTATTAGAGCTTGTTTTGCAGGACTCCTTTACAGTGGGTGCATCTTGTGAAAGCATTC[T>C]GAATTTTTGTTCCATTTTGGAGACTTTGATTTCTTTTGGCCTTTCACTCAAATCCCTGTA-3'
Protein context (NP_002476.2, residues 384-404): IKVSKMEQKF[Arg394Gly]MLSQDAPTVK